The following is an entry in ClinVar:

NM_019066.5(MAGEL2):c.2982_2983del (p.Glu995fs)

Gene: MAGEL2 (MAGE family member L2; minus strand). Cytogenetic location: 15q11.2.
Variant type: Deletion.
Coding change: c.2982_2983del on transcript NM_019066.5 (MANE Select); coding-DNA positions 2982 to 2983, 2 bases deleted (TG; older notation c.2982_2983delTG).
Protein change: p.Glu995fs; shifts the reading frame from glutamic acid 995.
Molecular consequence: frameshift variant.
Genome position (GRCh38, 1-based): chr15:23,644,760-23,644,761, CA deleted on the plus strand (TG on the coding strand, the reverse complement: MAGEL2 is on the minus strand). VCF-style (leftmost placement, unchanged base first): chr15-23644759-TCA-T. GRCh37 (hg19) VCF-style: chr15-23889906-TCA-T.
Other names: short protein forms E995fs.
Identifiers: ClinVar variation 545929 (VCV000545929.2), dbSNP rs1555374125, ClinGen allele CA658824639.
Genomic context (GRCh38, chr15:23,644,759, plus strand): 5'-TGTGCCTCCACCTTGGAATTATCCTGGGTGGCACTGGATCCCGGAGAGACACTTGCGACC[TCA>T]GACACAACTACGGGCAGAGAGCTCCCTGGGCTTTCAGAGAGACCCAGGGCCCTGGAGGTG-3'

ClinVar aggregate classification (germline): Pathogenic (1 of 4 stars; one submission).

Submission:

GeneDx
Classification: Pathogenic. Last evaluated: 2018-05-14. Review status: criteria provided, single submitter. Criteria: GeneDx Variant Classification (06012015). Collection method: clinical testing. Allele origin: germline. Affected: yes.
Comment: The c.2982_2983delTG variant in the MAGEL2 gene has not been reported previously as a pathogenic variant nor as a benign variant, to our knowledge. The c.2982_2983delTG variant causes a frameshift starting with codon Glutamic acid 995, changes this amino acid to a Glycine residue, and creates a premature Stop codon at position 14 of the new reading frame, denoted p.Glu995GlyfsX14. This variant is predicted to cause loss of normal protein function through protein truncation, as the last 255 amino acids are lost and replaced with 13 incorrect amino acids. The c.2982_2983delTG variant is not observed in large population cohorts (Lek et al., 2016).